The following is an entry in ClinVar:

NM_005676.5(RBM10):c.252G>C (p.Arg84=)

Gene: RBM10 (RNA binding motif protein 10; plus strand). Cytogenetic location: Xp11.3.
Variant type: single nucleotide variant.
Coding change: c.252G>C on transcript NM_005676.5 (MANE Select); coding-DNA position 252, G replaced by C.
Protein change: p.Arg84=; no amino-acid change (arginine 84 retained).
Molecular consequence: synonymous variant. On other transcripts: intron variant (2).
Genome position (GRCh38, 1-based): chrX:47,171,078, G>C. VCF-style: chrX-47171078-G-C. GRCh37 (hg19) VCF-style: chrX-47030477-G-C.
Other names: c.252G>C, p.Arg84= (NM_001204467.2); c.447G>C, p.Arg149= (NM_001204468.2); c.201+1580G>C (NM_001204466.2, NM_152856.3).
Identifiers: ClinVar variation 3049165 (VCV003049165.3), dbSNP rs782438851, ClinGen allele CA10395077.

ClinVar aggregate classification (germline): Likely benign. Review status: criteria provided, single submitter (1 of 4 stars). 2 submissions from 2 submitters: Likely benign (1). 1 of the submissions does not count toward it. Last evaluated 2025-12-08.

Conditions:
RBM10-related disorder. Also called: RBM10-related condition.

Allele frequency attached by ClinVar (database versions not stated): ExAC 0.00003; gnomAD exomes 0.00001; TOPMed 0.00003; gnomAD 0.00001.
gnomAD v4.1: 10 of 1,208,971 alleles (0.00083%); highest among the groups gnomAD compares: South Asian, 0.0035%; no homozygotes.

Submissions (2):

Labcorp Genetics (formerly Invitae), Labcorp
Classification: Likely benign. Last evaluated: 2025-12-08. Review status: criteria provided, single submitter. Criteria: Invitae Variant Classification Sherloc (09022015). Collection method: clinical testing. Allele origin: germline.

PreventionGenetics, part of Exact Sciences
Classification: Likely benign for RBM10-related condition. Last evaluated: 2019-12-09. Review status: no assertion criteria provided. Collection method: clinical testing. Allele origin: germline. Not counted in ClinVar's aggregate classification.
Comment: This variant is classified as likely benign based on ACMG/AMP sequence variant interpretation guidelines (Richards et al. 2015 PMID: 25741868, with internal and published modifications).